The following is an entry in ClinVar:

ClinVar aggregate classification (germline): Likely benign. Review status: criteria provided, multiple submitters, no conflicts (2 of 4 stars). 2 submissions from 2 submitters: Likely benign (2). Last evaluated 2026-06-01.

Allele frequency attached by ClinVar (database versions not stated): gnomAD 0.00001; TOPMed 0.00001.

Submissions (2):

CeGaT Center for Human Genetics Tuebingen
Classification: Likely benign. Last evaluated: 2026-06-01. Review status: criteria provided, single submitter. Criteria: CeGaT Center For Human Genetics Tuebingen Variant Classification Criteria Version 2. Collection method: clinical testing. Allele origin: germline. Affected: yes. Observed: 1 variant allele.
Comment: KMT2B: BP4, BP7

Labcorp Genetics (formerly Invitae), Labcorp
Classification: Likely benign. Last evaluated: 2025-03-10. Review status: criteria provided, single submitter. Criteria: Invitae Variant Classification Sherloc (09022015). Collection method: clinical testing. Allele origin: germline.

NM_014727.3(KMT2B):c.6105C>T (p.Ile2035=)

Gene: KMT2B (lysine methyltransferase 2B; plus strand). Cytogenetic location: 19q13.12.
Variant type: single nucleotide variant.
Coding change: c.6105C>T on transcript NM_014727.3 (MANE Select); coding-DNA position 6105, C replaced by T.
Protein change: p.Ile2035=; no amino-acid change (isoleucine 2035 retained).
Molecular consequence: synonymous variant.
Genome position (GRCh38, 1-based): chr19:35,732,654, C>T. VCF-style: chr19-35732654-C-T. GRCh37 (hg19) VCF-style: chr19-36223555-C-T.
Identifiers: ClinVar variation 1925987 (VCV001925987.7), dbSNP rs1416946751, ClinGen allele CA507308440.